The following is an entry in ClinVar:

NM_006736.6(DNAJB2):c.195C>T (p.Tyr65=)

Gene: DNAJB2 (DnaJ heat shock protein family (Hsp40) member B2; plus strand). Cytogenetic location: 2q35.
Variant type: single nucleotide variant.
Coding change: c.195C>T on transcript NM_006736.6 (MANE Select); coding-DNA position 195, C replaced by T.
Protein change: p.Tyr65=; no amino-acid change (tyrosine 65 retained).
Molecular consequence: synonymous variant.
Genome position (GRCh38, 1-based): chr2:219,281,737, C>T. VCF-style: chr2-219281737-C-T. GRCh37 (hg19) VCF-style: chr2-220146459-C-T.
Other names: p.Tyr65=; c.195C>T, p.Tyr65= (NM_001039550.2).
Identifiers: ClinVar variation 377779 (VCV000377779.48), dbSNP rs116719245, ClinGen allele CA2122857.

ClinVar aggregate classification (germline): Benign/Likely benign. Review status: criteria provided, multiple submitters, no conflicts (2 of 4 stars). 11 submissions from 11 submitters: Benign (1); Likely benign (7). 3 of the submissions do not count toward it. Last evaluated 2026-03-01.

Conditions:
DNAJB2-related disorder. Also called: DNAJB2-related condition.
Charcot-Marie-Tooth disease. Also called: Charcot-Marie-Tooth Neuropathy; Charcot-Marie-Tooth Hereditary Neuropathy. Identifiers: Orphanet 166, MedGen C0007959, MONDO:0015626.
Neuronopathy, distal hereditary motor, autosomal recessive 5. Also called: Young adult-onset distal hereditary motor neuropathy; Spinal muscular atrophy, distal, autosomal recessive, 5; NEUROPATHY, DISTAL HEREDITARY MOTOR, AUTOSOMAL RECESSIVE 5. Identifiers: Orphanet 314485, Orphanet 443950, MedGen C4749918, MONDO:0013947, OMIM 614881.
Inborn genetic diseases. Identifiers: MedGen C0950123, MeSH D030342.

Allele frequency attached by ClinVar (database versions not stated): 1000 Genomes Project 30x 0.00016; 1000 Genomes Project 0.00020; ExAC 0.00089; gnomAD exomes 0.00091 and 0.00157; TOPMed 0.00109; gnomAD 0.00117 and 0.00120; ESP Exome Variant Server 0.00185.
gnomAD v4.1: 2,433 of 1,613,964 alleles (0.15%); highest among the groups gnomAD compares: Non-Finnish European, 0.2%; 8 homozygotes.

Submissions (11):

CeGaT Center for Human Genetics Tuebingen
Classification: Likely benign. Last evaluated: 2026-03-01. Review status: criteria provided, single submitter. Criteria: CeGaT Center For Human Genetics Tuebingen Variant Classification Criteria Version 2. Collection method: clinical testing. Allele origin: germline. Affected: yes. Observed: 9 variant alleles.
Comment: DNAJB2: BP4, BP7

Labcorp Genetics (formerly Invitae), Labcorp
Classification: Likely benign for Neuronopathy, distal hereditary motor, autosomal recessive 5. Last evaluated: 2026-01-25. Review status: criteria provided, single submitter. Criteria: Invitae Variant Classification Sherloc (09022015). Collection method: clinical testing. Allele origin: germline.

Blueprint Genetics
Classification: Likely benign. Last evaluated: 2024-10-25. Review status: criteria provided, single submitter. Criteria: ACMG Guidelines, 2015. Collection method: clinical testing. Allele origin: germline.

Mayo Clinic Laboratories, Mayo Clinic
Classification: Benign. Last evaluated: 2024-08-05. Review status: criteria provided, single submitter. Criteria: ACMG Guidelines, 2015. Collection method: clinical testing. Allele origin: germline. Observed: 5 variant alleles.
Comment: BS1, BS2, BP4, BP7

ARUP Laboratories, Molecular Genetics and Genomics, ARUP Laboratories
Classification: Likely benign for Neuronopathy, distal hereditary motor, autosomal recessive 5. Last evaluated: 2023-02-22. Review status: criteria provided, single submitter. Criteria: ARUP Molecular Germline Variant Investigation Process 2024. Collection method: clinical testing. Allele origin: germline.

GeneDx
Classification: Likely benign. Last evaluated: 2020-05-08. Review status: criteria provided, single submitter. Criteria: GeneDx Variant Classification Process June 2021. Collection method: clinical testing. Allele origin: germline. Affected: yes.

Ambry Genetics
Classification: Likely benign for Inborn genetic diseases. Last evaluated: 2019-07-11. Review status: criteria provided, single submitter. Criteria: Ambry Variant Classification Scheme 2023. Collection method: clinical testing. Allele origin: germline.

Molecular Genetics Laboratory, London Health Sciences Centre
Classification: Likely benign for Charcot-Marie-Tooth disease. Review status: criteria provided, single submitter. Criteria: ACMG Guidelines, 2015. Collection method: clinical testing. Allele origin: germline. Affected: yes.

PreventionGenetics, part of Exact Sciences
Classification: Likely benign for DNAJB2-related condition. Last evaluated: 2019-05-24. Review status: no assertion criteria provided. Collection method: clinical testing. Allele origin: germline. Not counted in ClinVar's aggregate classification.
Comment: This variant is classified as likely benign based on ACMG/AMP sequence variant interpretation guidelines (Richards et al. 2015 PMID: 25741868, with internal and published modifications).

Clinical Genetics, Academic Medical Center
Classification: Likely benign. Review status: no assertion criteria provided. Collection method: clinical testing. Allele origin: germline. Affected: yes. Study: VKGL Data-share Consensus. Not counted in ClinVar's aggregate classification.

Genome Diagnostics Laboratory, University Medical Center Utrecht
Classification: Likely benign. Review status: no assertion criteria provided. Collection method: clinical testing. Allele origin: germline. Affected: yes. Study: VKGL Data-share Consensus. Not counted in ClinVar's aggregate classification.